The following is an entry in ClinVar:

ClinVar aggregate classification (germline): Uncertain significance. Review status: criteria provided, single submitter (1 of 4 stars). 2 submissions from 2 submitters: Uncertain significance (1). 1 of the submissions does not count toward it. Last evaluated 2024-11-06.

Conditions:
Optic atrophy. Identifiers: MedGen C0029124, MONDO:0003608, HP:0000648.

Allele frequency attached by ClinVar (database versions not stated): TOPMed 0.00001; gnomAD 0.00003; ExAC 0.00004; 1000 Genomes Project 30x 0.00031; 1000 Genomes Project 0.00040.
gnomAD v4.1: 19 of 1,613,112 alleles (0.0012%); highest among the groups gnomAD compares: Middle Eastern, 0.017%; no homozygotes.

Submissions (2):

Labcorp Genetics (formerly Invitae), Labcorp
Classification: Uncertain significance. Last evaluated: 2024-11-06. Review status: criteria provided, single submitter. Criteria: Invitae Variant Classification Sherloc (09022015). Collection method: clinical testing. Allele origin: germline.
Comment: This sequence change replaces arginine, which is basic and polar, with glutamine, which is neutral and polar, at codon 146 of the RP9 protein (p.Arg146Gln). This variant is present in population databases (rs146802517, gnomAD 0.02%). This variant has not been reported in the literature in individuals affected with RP9-related conditions. ClinVar contains an entry for this variant (Variation ID: 1928325). An algorithm developed to predict the effect of missense changes on protein structure and function (PolyPhen-2) suggests that this variant is likely to be tolerated. In summary, the available evidence is currently insufficient to determine the role of this variant in disease. Therefore, it has been classified as a Variant of Uncertain Significance.

Institute of Human Genetics, Univ. Regensburg, Univ. Regensburg
Classification: Uncertain significance for Optic atrophy. Last evaluated: 2023-01-01. Review status: no assertion criteria provided. Criteria: ACMG Guidelines, 2015. Collection method: clinical testing. Allele origin: germline. Affected: yes. Not counted in ClinVar's aggregate classification.

NM_203288.2(RP9):c.437G>A (p.Arg146Gln)

Gene: RP9 (RP9 pre-mRNA splicing factor; minus strand). Cytogenetic location: 7p14.3.
Variant type: single nucleotide variant.
Coding change: c.437G>A on transcript NM_203288.2 (MANE Select); coding-DNA position 437, G replaced by A.
Protein change: p.Arg146Gln; replaces arginine 146 with glutamine.
Molecular consequence: missense variant.
Genome position (GRCh38, 1-based): chr7:33,096,523, C>T on the plus strand (G>A on the coding strand, the complement: RP9 is on the minus strand). VCF-style: chr7-33096523-C-T. GRCh37 (hg19) VCF-style: chr7-33136135-C-T.
Other names: short protein forms R146Q.
Identifiers: ClinVar variation 1928325 (VCV001928325.6), dbSNP rs146802517, ClinGen allele CA4213718.